The following is an entry in ClinVar:

NM_000454.5(SOD1):c.397GAA[1] (p.Glu134del)

Gene: SOD1 (superoxide dismutase 1; plus strand). Cytogenetic location: 21q22.11.
Variant type: Microsatellite.
Coding change: c.397GAA[1] on transcript NM_000454.5 (MANE Select); one copy of the 3-base unit GAA starting at c.397; the reference has two copies in a row; one copy, 3 bases deleted; also written c.400_402del.
Protein change: p.Glu134del; deletes glutamic acid 134.
Molecular consequence: inframe deletion.
Genome position (GRCh38, 1-based): chr21:31,668,513-31,668,515, GAA deleted; deleting any 3 consecutive bases within chr21:31,668,510-31,668,515 gives the same sequence; the position shown is the placement nearest the transcript's 3' end. VCF-style (leftmost placement, unchanged base first): chr21-31668509-TGAA-T. GRCh37 (hg19) VCF-style: chr21-33040822-TGAA-T.
Other names: p.Glu134del; c.400_402del (NM_000454.4); c.400_402delGAA (NM_000454.4, NM_000454.5); short protein forms E134del.
Identifiers: ClinVar variation 576569 (VCV000576569.8), dbSNP rs1568811423, ClinGen allele CA891844442.
Genomic context (GRCh38, chr21:31,668,509, plus strand): 5'-ATCTTCTTAAAATTTTTTACAGGTCCATGAAAAAGCAGATGACTTGGGCAAAGGTGGAAA[TGAA>T]GAAAGTACAAAGACAGGAAACGCTGGAAGTCGTTTGGCTTGTGGTGTAATTGGGATCGCC-3'

ClinVar aggregate classification (germline): Pathogenic/Likely pathogenic. Review status: criteria provided, multiple submitters, no conflicts (2 of 4 stars). 3 submissions from 3 submitters: Pathogenic (2); Likely pathogenic (1). Last evaluated 2025-09-15.

Conditions:
Amyotrophic lateral sclerosis type 1 (ALS1). Also called: AMYOTROPHIC LATERAL SCLEROSIS 1, FAMILIAL. Identifiers: Orphanet 803, MedGen C1862939, MONDO:0007103, OMIM 105400.

Submissions (3):

Labcorp Genetics (formerly Invitae), Labcorp
Classification: Pathogenic for Amyotrophic lateral sclerosis type 1. Last evaluated: 2025-09-15. Review status: criteria provided, single submitter. Criteria: Invitae Variant Classification Sherloc (09022015). Collection method: clinical testing. Allele origin: germline.
Comment: This variant, c.400_402del, results in the deletion of 1 amino acid(s) of the SOD1 protein (p.Glu134del), but otherwise preserves the integrity of the reading frame. This variant is not present in population databases (gnomAD no frequency). This variant has been observed in individuals with amyotrophic lateral sclerosis (PMID: 8938700, 19483195, 22292843, 23881933, 36686515; internal data). This variant is also known as p.E133del. Algorithms developed to predict the effect of variants on gene product structure and function are not available or were not evaluated for this variant. Experimental studies have shown that this variant affects SOD1 function (PMID: 19483195, 19635794, 25792239). For these reasons, this variant has been classified as Pathogenic.

Athena Diagnostics
Classification: Pathogenic. Last evaluated: 2025-06-04. Review status: criteria provided, single submitter. Criteria: Athena Diagnostics Criteria. Collection method: clinical testing. Allele origin: unknown.
Comment: The frequency of this variant in the general population is consistent with pathogenicity. This variant has been identified in multiple unrelated individuals with amyotrophic lateral sclerosis. In some published literature, this variant is referred to as E133del. Assessment of experimental evidence suggests this variant results in abnormal protein function. (PMID: 16945901, 19483195, 30622123)

Human Genome Lab, NIMHANS, National Institute of Mental Health and Neuro Sciences
Classification: Likely pathogenic for Amyotrophic lateral sclerosis type 1. Last evaluated: 2025-04-17. Review status: criteria provided, single submitter. Criteria: ACMG Guidelines, 2015. Collection method: clinical testing. Allele origin: germline. Inheritance: Autosomal dominant inheritance. Affected: yes. Observed: 1 homozygote.
Comment: The SOD1 gene encodes superoxide dismutase-1, a cytoplasmic antioxidant enzyme that metabolizes superoxide radicals to molecular oxygen and hydrogen peroxide, thus providing a defense against oxygen toxicity. The genomic variant c.400_402delGAA p.Glu134del rs1568811423 on the SOD1 gene is an in-frame deletion resulting in the loss of a glutamic acid residue at position 134 of the SOD1 protein.

Literature cited by the submitters: PubMed 8938700 (cited by Labcorp Genetics (formerly Invitae), Labcorp and Athena Diagnostics); PubMed 19483195 (cited by Labcorp Genetics (formerly Invitae), Labcorp and Athena Diagnostics); PubMed 22292843 (cited by Labcorp Genetics (formerly Invitae), Labcorp and Athena Diagnostics); PubMed 23881933 (cited by Labcorp Genetics (formerly Invitae), Labcorp); PubMed 36686515 (cited by Labcorp Genetics (formerly Invitae), Labcorp and Athena Diagnostics); PubMed 19635794 (cited by Labcorp Genetics (formerly Invitae), Labcorp and Athena Diagnostics); PubMed 25792239 (cited by Labcorp Genetics (formerly Invitae), Labcorp and Athena Diagnostics); PubMed 16945901 (cited by Athena Diagnostics); PubMed 23280792 (cited by Athena Diagnostics); PubMed 37223130 (cited by Athena Diagnostics); PubMed 39031772 (cited by Athena Diagnostics); PubMed 39044379 (cited by Athena Diagnostics); PubMed 33770234 (cited by Athena Diagnostics); PubMed 30622123 (cited by Athena Diagnostics); PubMed 36484631 (cited by Athena Diagnostics); PubMed 22722621 (cited by Athena Diagnostics); PubMed 36979682 (cited by Athena Diagnostics); PubMed 39017978 (cited by Athena Diagnostics); PubMed 30088417 (cited by Athena Diagnostics).